The following is an entry in ClinVar:

NM_000046.5(ARSB):c.1482del (p.Ile494fs)

Gene: ARSB (arylsulfatase B; minus strand). Cytogenetic location: 5q14.1.
Variant type: Deletion.
Coding change: c.1482del on transcript NM_000046.5 (MANE Select); coding-DNA position 1482, one base deleted (C; older notation c.1482delC).
Protein change: p.Ile494fs; shifts the reading frame from isoleucine 494.
Molecular consequence: frameshift variant.
Genome position (GRCh38, 1-based): chr5:78,780,517, G deleted on the plus strand (C on the coding strand, the reverse complement: ARSB is on the minus strand). VCF-style (leftmost placement, unchanged base first): chr5-78780516-CG-C. GRCh37 (hg19) VCF-style: chr5-78076339-CG-C.
Other names: short protein forms I494fs.
Identifiers: ClinVar variation 559716 (VCV000559716.1), dbSNP rs1554069668, ClinGen allele CA658822423.

ClinVar aggregate classification (germline): Likely pathogenic (1 of 4 stars; one submission).

Conditions:
Mucopolysaccharidosis type 6 (MPS6). Also called: N-ACETYLGALACTOSAMINE-4-SULFATASE DEFICIENCY; MPS VI; MPS 6; Maroteaux Lamy syndrome; ARSB DEFICIENCY; ARYLSULFATASE B DEFICIENCY. Identifiers: Orphanet 583, MedGen C0026709, MONDO:0009661, OMIM 253200.

Submission:

Laboratory of Diagnosis and Therapy of Lysosomal Disorders, University of Padova
Classification: Likely pathogenic for Mucopolysaccharidosis type 6. Last evaluated: 2018-01-01. Review status: criteria provided, single submitter. Criteria: ACMG Guidelines, 2015. Collection method: curation. Allele origin: germline. Affected: yes.
Comment: Frameshift variant (PVS1); Absent from GnomAD (PM2)

Literature cited by the submitters: PubMed 17458871; PubMed 30118150.